The following is an entry in ClinVar:

ClinVar aggregate classification (germline): Uncertain significance (1 of 4 stars; one submission).

Conditions:
Hereditary cancer-predisposing syndrome. Also called: Tumor predisposition; Neoplastic Syndromes, Hereditary; Hereditary Cancer Syndrome; Hereditary neoplastic syndrome. Identifiers: Orphanet 140162, MedGen C0027672, MeSH D009386, MONDO:0015356.

Submission:

Ambry Genetics
Classification: Uncertain significance for Hereditary cancer-predisposing syndrome. Last evaluated: 2024-12-15. Review status: criteria provided, single submitter. Criteria: Ambry Variant Classification Scheme 2023. Collection method: clinical testing. Allele origin: germline.
Comment: The p.Q131P variant (also known as c.392A>C), located in coding exon 3 of the NTHL1 gene, results from an A to C substitution at nucleotide position 392. The glutamine at codon 131 is replaced by proline, an amino acid with similar properties. This amino acid position is conserved. In addition, this alteration is predicted to be deleterious by in silico analysis. Based on the available evidence, the clinical significance of this variant remains unclear.

NM_002528.7(NTHL1):c.368A>C (p.Gln123Pro)

Gene: NTHL1 (nth like DNA glycosylase 1; minus strand). Cytogenetic location: 16p13.3.
Variant type: single nucleotide variant.
Coding change: c.368A>C on transcript NM_002528.7 (MANE Select); coding-DNA position 368, A replaced by C.
Protein change: p.Gln123Pro; replaces glutamine 123 with proline.
Molecular consequence: missense variant. On other transcripts: intron variant (1).
Genome position (GRCh38, 1-based): chr16:2,044,787, T>G on the plus strand (A>C on the coding strand, the complement: NTHL1 is on the minus strand). VCF-style: chr16-2044787-T-G. GRCh37 (hg19) VCF-style: chr16-2094788-T-G.
Other names: c.38A>C, p.Gln13Pro (NM_001318194.2); c.355-1061A>C (NM_001318193.2); short protein forms Q123P, Q13P.
Identifiers: ClinVar variation 3881350 (VCV003881350.1).